The following is an entry in ClinVar:

NM_001164508.2(NEB):c.22690A>G (p.Ser7564Gly)

Genes: NEB (nebulin; minus strand), RIF1 (replication timing regulatory factor 1; plus strand). Cytogenetic location: 2q23.3.
Variant type: single nucleotide variant.
Coding change: c.22690A>G on transcript NM_001164508.2 (MANE Select); coding-DNA position 22690, A replaced by G.
Protein change: p.Ser7564Gly; replaces serine 7564 with glycine.
Molecular consequence: missense variant.
Genome position (GRCh38, 1-based): chr2:151,518,970, T>C on the plus strand (A>G on the coding strand, the complement: NEB is on the minus strand). VCF-style: chr2-151518970-T-C. GRCh37 (hg19) VCF-style: chr2-152375484-T-C.
Other names: c.22690A>G, p.Ser7564Gly (NM_001164507.2); c.22795A>G, p.Ser7599Gly (NM_001271208.2); c.17587A>G, p.Ser5863Gly (NM_004543.5); short protein forms S7599G, S5863G, S7564G.
Identifiers: ClinVar variation 465568 (VCV000465568.6), dbSNP rs749222946, ClinGen allele CA1906570.
Genomic context (GRCh38, chr2:151,518,970, plus strand): 5'-ATTTAGTTCCAAATGGGTAAAACAAGCTGTTTCTGGAGCAAATGACTGAGCTTACAGAAC[T>C]GGCAAGTTGGCTTGTATTCAGGACATGATTCATGATCAGAGACTCCTTCATGTCAGTCAC-3'
Protein context (NP_001157980.2, residues 7554-7574): NHVLNTSQLA[Ser7564Gly]SYQYKKKYEK

ClinVar aggregate classification (germline): Uncertain significance (1 of 4 stars; one submission).

Conditions:
Nemaline myopathy 2 (NEM2). Also called: Nemaline myopathy 2, autosomal recessive. Identifiers: MedGen C1850569, MONDO:0009725, OMIM 256030.

Allele frequency attached by ClinVar (database versions not stated): ExAC 0.00001.
gnomAD v4.1: 2 of 1,608,738 alleles (0.00012%); highest among the groups gnomAD compares: African/African-American, 0.0013%; no homozygotes.

Submission:

Labcorp Genetics (formerly Invitae), Labcorp
Classification: Uncertain significance for Nemaline myopathy 2. Last evaluated: 2022-06-20. Review status: criteria provided, single submitter. Criteria: Invitae Variant Classification Sherloc (09022015). Collection method: clinical testing. Allele origin: germline.
Comment: This sequence change replaces serine, which is neutral and polar, with glycine, which is neutral and non-polar, at codon 7599 of the NEB protein (p.Ser7599Gly). This variant is not present in population databases (gnomAD no frequency). This variant has not been reported in the literature in individuals affected with NEB-related conditions. ClinVar contains an entry for this variant (Variation ID: 465568). Algorithms developed to predict the effect of missense changes on protein structure and function are either unavailable or do not agree on the potential impact of this missense change (SIFT: "Deleterious"; PolyPhen-2: "Not Available"; Align-GVGD: "Class C0"). In summary, the available evidence is currently insufficient to determine the role of this variant in disease. Therefore, it has been classified as a Variant of Uncertain Significance.